The following is an entry in ClinVar:

NM_000334.4(SCN4A):c.916T>G (p.Trp306Gly)

Gene: SCN4A (sodium voltage-gated channel alpha subunit 4; minus strand). Cytogenetic location: 17q23.3.
Variant type: single nucleotide variant.
Coding change: c.916T>G on transcript NM_000334.4 (MANE Select); coding-DNA position 916, T replaced by G.
Protein change: p.Trp306Gly; replaces tryptophan 306 with glycine.
Molecular consequence: missense variant.
Genome position (GRCh38, 1-based): chr17:63,968,143, A>C on the plus strand (T>G on the coding strand, the complement: SCN4A is on the minus strand). VCF-style: chr17-63968143-A-C. GRCh37 (hg19) VCF-style: chr17-62045503-A-C.
Other names: short protein forms W306G.
Identifiers: ClinVar variation 2074178 (VCV002074178.28), dbSNP rs377602871, ClinGen allele CA292971909.
Genomic context (GRCh38, chr17:63,968,143, plus strand): 5'-TGTTCCACGTGTCGTTGGCATACCATGAGTCATTGCCGTACCACATCTCATTGCCATACC[A>C]TGTGTCATTGCCGTACCACGTGTCATTGCTGTACCACGTGGTGTTGGTGTCGTTGAACGG-3'
Protein context (NP_000325.4, residues 296-316): SNDTWYGNDT[Trp306Gly]YGNEMWYGND

ClinVar aggregate classification (germline): Uncertain significance. Review status: criteria provided, multiple submitters, no conflicts (2 of 4 stars). 3 submissions from 3 submitters: Uncertain significance (3). Last evaluated 2023-05-01.

Conditions:
Hyperkalemic periodic paralysis. Also called: Gamstorp disease; Familial hyperkalemic periodic paralysis. Identifiers: Orphanet 682, MedGen C0238357, MONDO:0008224, OMIM 170500, HP:0007215.

Allele frequency attached by ClinVar (database versions not stated): gnomAD 0.00001.
gnomAD v4.1: 10 of 1,613,656 alleles (0.00062%); highest among the groups gnomAD compares: Non-Finnish European, 0.00085%; no homozygotes.

Submissions (3):

CeGaT Center for Human Genetics Tuebingen
Classification: Uncertain significance. Last evaluated: 2023-05-01. Review status: criteria provided, single submitter. Criteria: CeGaT Center For Human Genetics Tuebingen Variant Classification Criteria Version 2. Collection method: clinical testing. Allele origin: germline. Affected: yes. Observed: 1 variant allele.
Comment: SCN4A: PM2

Labcorp Genetics (formerly Invitae), Labcorp
Classification: Uncertain significance for Hyperkalemic periodic paralysis. Last evaluated: 2023-04-03. Review status: criteria provided, single submitter. Criteria: Invitae Variant Classification Sherloc (09022015). Collection method: clinical testing. Allele origin: germline.
Comment: This sequence change replaces tryptophan, which is neutral and slightly polar, with glycine, which is neutral and non-polar, at codon 306 of the SCN4A protein (p.Trp306Gly). This variant is present in population databases (no rsID available, gnomAD 0.002%). In summary, the available evidence is currently insufficient to determine the role of this variant in disease. Therefore, it has been classified as a Variant of Uncertain Significance. Advanced modeling of protein sequence and biophysical properties (such as structural, functional, and spatial information, amino acid conservation, physicochemical variation, residue mobility, and thermodynamic stability) has been performed at Invitae for this missense variant, however the output from this modeling did not meet the statistical confidence thresholds required to predict the impact of this variant on SCN4A protein function. ClinVar contains an entry for this variant (Variation ID: 2074178). This variant has not been reported in the literature in individuals affected with SCN4A-related conditions.

Revvity Omics, Revvity
Classification: Uncertain significance. Last evaluated: 2019-07-23. Review status: criteria provided, single submitter. Criteria: ACMG Guidelines, 2015. Collection method: clinical testing. Allele origin: germline.